The following is an entry in ClinVar:

ClinVar aggregate classification (germline): Uncertain significance (1 of 4 stars; one submission).

Conditions:
Hereditary cancer-predisposing syndrome. Also called: Neoplastic Syndromes, Hereditary; Tumor predisposition; Hereditary Cancer Syndrome; Hereditary neoplastic syndrome. Identifiers: Orphanet 140162, MedGen C0027672, MeSH D009386, MONDO:0015356.

gnomAD v4.1: 1 of 1,613,978 alleles (0.000062%); highest among the groups gnomAD compares: Non-Finnish European, 0.000085%; no homozygotes.

Submission:

Ambry Genetics
Classification: Uncertain significance for Hereditary cancer-predisposing syndrome. Last evaluated: 2026-05-15. Review status: criteria provided, single submitter. Criteria: Ambry Variant Classification Scheme 2023. Collection method: clinical testing. Allele origin: germline.
Comment: The p.M410V variant (also known as c.1228A>G), located in coding exon 9 of the MITF gene, results from an A to G substitution at nucleotide position 1228. The methionine at codon 410 is replaced by valine, an amino acid with highly similar properties. This amino acid position is conserved. In addition, this alteration is predicted to be tolerated by in silico analysis. Based on the available evidence, the clinical significance of this variant remains unclear.

NM_001354604.2(MITF):c.1549A>G (p.Met517Val)

Gene: MITF (melanocyte inducing transcription factor; plus strand). Cytogenetic location: 3p13.
Variant type: single nucleotide variant.
Coding change: c.1549A>G on transcript NM_001354604.2 (MANE Select); coding-DNA position 1549, A replaced by G.
Protein change: p.Met517Val; replaces methionine 517 with valine.
Molecular consequence: missense variant.
Genome position (GRCh38, 1-based): chr3:69,965,216, A>G. VCF-style: chr3-69965216-A-G. GRCh37 (hg19) VCF-style: chr3-70014367-A-G.
Other names: c.1228A>G, p.Met410Val (NM_000248.4); c.1375A>G, p.Met459Val (NM_001184967.2, NM_001354608.2); c.1546A>G, p.Met516Val (NM_001354605.2); c.1528A>G, p.Met510Val (NM_001354606.2, NM_006722.3); c.1480A>G, p.Met494Val (NM_001354607.2); c.1210A>G, p.Met404Val (NM_198158.3); c.1531A>G, p.Met511Val (NM_198159.3); c.1483A>G, p.Met495Val (NM_198177.3); and 1 more; short protein forms M348V, M404V, M410V, M459V, M494V, M495V, M510V, M511V.
Identifiers: ClinVar variation 4860073 (VCV004860073.1).